The following is an entry in ClinVar:

NM_001673.5(ASNS):c.688dup (p.Thr230fs)

Genes: ASNS (asparagine synthetase (glutamine-hydrolyzing); minus strand), CZ1P-ASNS (CZ1P-ASNS readthrough; minus strand). Cytogenetic location: 7q21.3.
Variant type: Duplication.
Coding change: c.688dup on transcript NM_001673.5 (MANE Select); coding-DNA position 688, one base duplicated (A; older notation c.688dupA).
Protein change: p.Thr230fs; shifts the reading frame from threonine 230.
Molecular consequence: frameshift variant. On other transcripts: non-coding transcript variant (1).
Genome position (GRCh38, 1-based): chr7:97,858,941, T duplicated on the plus strand (A on the coding strand, the reverse complement: ASNS is on the minus strand); the first of 3 consecutive T bases (chr7:97,858,941-97,858,943); duplicating any one gives the same sequence. VCF-style (leftmost placement, unchanged base first): chr7-97858940-G-GT. GRCh37 (hg19) VCF-style: chr7-97488252-G-GT.
Other names: c.625dup, p.Thr209fs (NM_001178075.2); c.439dup, p.Thr147fs (NM_001178076.2, NM_001178077.1); c.688dup, p.Thr230fs (NM_001352496.2, NM_133436.3, NM_183356.4); short protein forms T147fs, T209fs, T230fs.
Identifiers: ClinVar variation 1457924 (VCV001457924.6), dbSNP rs2115655369, ClinGen allele CA2573142483.
Genomic context (GRCh38, chr7:97,858,940, plus strand): 5'-TCTGTCATCAAACGTTTCTTTACAGCATTATTAAAAAGGATCCTGAGGTTGTTCTTCACA[G>GT]TTTCTATCTCAAAACCTATAAACACAGCAGTAAATCAAACAGCTCCAGAAAATCTTGGGC-3'

ClinVar aggregate classification (germline): Pathogenic (1 of 4 stars; one submission).

Submission:

Labcorp Genetics (formerly Invitae), Labcorp
Classification: Pathogenic. Last evaluated: 2022-08-09. Review status: criteria provided, single submitter. Criteria: Invitae Variant Classification Sherloc (09022015). Collection method: clinical testing. Allele origin: germline.
Comment: This sequence change creates a premature translational stop signal (p.Thr230Asnfs*11) in the ASNS gene. It is expected to result in an absent or disrupted protein product. Loss-of-function variants in ASNS are known to be pathogenic (PMID: 27422383, 30057589). This variant is not present in population databases (gnomAD no frequency). For these reasons, this variant has been classified as Pathogenic. ClinVar contains an entry for this variant (Variation ID: 1457924). This variant has not been reported in the literature in individuals affected with ASNS-related conditions.

Literature cited by the submitters: PubMed 27422383; PubMed 30057589.